The following is an entry in ClinVar:

NM_000538.4(RFXAP):c.359G>A (p.Gly120Asp)

Gene: RFXAP (regulatory factor X associated protein; plus strand). Cytogenetic location: 13q13.3.
Variant type: single nucleotide variant.
Coding change: c.359G>A on transcript NM_000538.4 (MANE Select); coding-DNA position 359, G replaced by A.
Protein change: p.Gly120Asp; replaces glycine 120 with aspartic acid.
Molecular consequence: missense variant.
Genome position (GRCh38, 1-based): chr13:36,819,716, G>A. VCF-style: chr13-36819716-G-A. GRCh37 (hg19) VCF-style: chr13-37393853-G-A.
Other names: short protein forms G120D.
Identifiers: ClinVar variation 636400 (VCV000636400.6), dbSNP rs199978715, ClinGen allele CA248179593.

ClinVar aggregate classification (germline): Uncertain significance (1 of 4 stars; one submission).

Conditions:
MHC class II deficiency. Also called: BLS, TYPE II; Bare lymphocyte syndrome 2. Identifiers: Orphanet 572, MedGen C5447452, MONDO:0008855.

Allele frequency attached by ClinVar (database versions not stated): 1000 Genomes Project 30x 0.00031.

Submission:

Labcorp Genetics (formerly Invitae), Labcorp
Classification: Uncertain significance for MHC class II deficiency. Last evaluated: 2022-05-15. Review status: criteria provided, single submitter. Criteria: Invitae Variant Classification Sherloc (09022015). Collection method: clinical testing. Allele origin: germline.
Comment: This sequence change replaces glycine, which is neutral and non-polar, with aspartic acid, which is acidic and polar, at codon 120 of the RFXAP protein (p.Gly120Asp). The frequency data for this variant in the population databases is considered unreliable, as metrics indicate poor data quality at this position in the gnomAD database. This variant has not been reported in the literature in individuals affected with RFXAP-related conditions. ClinVar contains an entry for this variant (Variation ID: 636400). Algorithms developed to predict the effect of missense changes on protein structure and function are either unavailable or do not agree on the potential impact of this missense change (SIFT: "Tolerated"; PolyPhen-2: "Probably Damaging"; Align-GVGD: "Class C0"). In summary, the available evidence is currently insufficient to determine the role of this variant in disease. Therefore, it has been classified as a Variant of Uncertain Significance.